The following is an entry in ClinVar:

ClinVar aggregate classification (germline): Uncertain significance (1 of 4 stars; one submission).

Conditions:
Hypertrophic cardiomyopathy. Also called: HYPERTROPHIC MYOCARDIOPATHY. Identifiers: Orphanet 217569, MedGen C0007194, MeSH D002312, MONDO:0005045, HP:0001639.

Submission:

Labcorp Genetics (formerly Invitae), Labcorp
Classification: Uncertain significance for Hypertrophic cardiomyopathy. Last evaluated: 2022-03-23. Review status: criteria provided, single submitter. Criteria: Invitae Variant Classification Sherloc (09022015). Collection method: clinical testing. Allele origin: germline.
Comment: This sequence change replaces glutamic acid, which is acidic and polar, with lysine, which is basic and polar, at codon 1461 of the MYH7 protein (p.Glu1461Lys). This variant is not present in population databases (gnomAD no frequency). This variant has not been reported in the literature in individuals affected with MYH7-related conditions. In summary, the available evidence is currently insufficient to determine the role of this variant in disease. Therefore, it has been classified as a Variant of Uncertain Significance. Algorithms developed to predict the effect of missense changes on protein structure and function are either unavailable or do not agree on the potential impact of this missense change (SIFT: "Deleterious"; PolyPhen-2: "Probably Damaging"; Align-GVGD: "Class C0").

NM_000257.4(MYH7):c.4381G>A (p.Glu1461Lys)

Genes: MHRT (myosin heavy chain associated RNA transcript; plus strand), MYH7 (myosin heavy chain 7; minus strand). Cytogenetic location: 14q11.2.
Variant type: single nucleotide variant.
Coding change: c.4381G>A on transcript NM_000257.4 (MANE Select); coding-DNA position 4381, G replaced by A.
Protein change: p.Glu1461Lys; replaces glutamic acid 1461 with lysine.
Molecular consequence: missense variant. On other transcripts: non-coding transcript variant (1).
Genome position (GRCh38, 1-based): chr14:23,417,291, C>T on the plus strand (G>A on the coding strand, the complement: MYH7 is on the minus strand). VCF-style: chr14-23417291-C-T. GRCh37 (hg19) VCF-style: chr14-23886500-C-T.
Other names: short protein forms E1461K.
Identifiers: ClinVar variation 1478437 (VCV001478437.8), dbSNP rs2138645640, ClinGen allele CA389038788.